The following is an entry in ClinVar:

ClinVar aggregate classification (germline): Conflicting classifications of pathogenicity. Review status: criteria provided, conflicting classifications (1 of 4 stars). 2 submissions from 2 submitters: Likely risk allele (1); Uncertain significance (1). Last evaluated 2020-07-14.

Conditions:
Maturity-onset diabetes of the young (MODY). Also called: Maturity onset diabetes mellitus in young. Identifiers: Orphanet 552, MedGen C0342276, MONDO:0018911, HP:0004904.

Allele frequency attached by ClinVar (database versions not stated): gnomAD exomes 0.00001 and below 0.00001; TOPMed 0.00001; ExAC 0.00001; gnomAD 0.00001.
gnomAD v4.1: 6 of 1,613,924 alleles (0.00037%); highest among the groups gnomAD compares: Non-Finnish European, 0.00051%; no homozygotes.

Submissions (2):

Athena Diagnostics
Classification: Uncertain significance. Last evaluated: 2020-07-14. Review status: criteria provided, single submitter. Criteria: Athena Diagnostics Criteria. Collection method: clinical testing. Allele origin: unknown.

Clinical Genomics, Uppaluri K&H Personalized Medicine Clinic
Classification: Likely risk allele for Maturity-onset diabetes of the young. Review status: criteria provided, single submitter. Criteria: K & H Uppaluri Personalized Medicine Clinic Variant Classification & Assertion Criteria_Updated V.1. Collection method: research. Allele origin: unknown. Inheritance: Autosomal dominant inheritance.
Comment: HNF1B gene mutations are associated with early onset diabetes and pancreatic atrophy. It is also associated with multiple renal manifestations including renal cysts, Tubulointerstitial disease, glomerulocystic disease, renal hypoplasia, hypomagnesemia. However no sufficient evidence is found to ascertain the role of this particular variant rs765654692, yet.

Literature cited by the submitters: PubMed 24897035 (cited by Clinical Genomics, Uppaluri K&H Personalized Medicine Clinic); PubMed 25536396 (cited by Clinical Genomics, Uppaluri K&H Personalized Medicine Clinic); PubMed 27615128 (cited by Clinical Genomics, Uppaluri K&H Personalized Medicine Clinic); PubMed 28215227 (cited by Clinical Genomics, Uppaluri K&H Personalized Medicine Clinic); PubMed 33434175 (cited by Clinical Genomics, Uppaluri K&H Personalized Medicine Clinic); PubMed 25741167 (cited by Clinical Genomics, Uppaluri K&H Personalized Medicine Clinic); PubMed 26340261 (cited by Clinical Genomics, Uppaluri K&H Personalized Medicine Clinic); PubMed 19639018 (cited by Clinical Genomics, Uppaluri K&H Personalized Medicine Clinic).

NM_000458.4(HNF1B):c.1243A>T (p.Thr415Ser)

Gene: HNF1B (HNF1 homeobox B; minus strand). Cytogenetic location: 17q12.
Variant type: single nucleotide variant.
Coding change: c.1243A>T on transcript NM_000458.4 (MANE Select); coding-DNA position 1243, A replaced by T.
Protein change: p.Thr415Ser; replaces threonine 415 with serine.
Molecular consequence: missense variant.
Genome position (GRCh38, 1-based): chr17:37,705,013, T>A on the plus strand (A>T on the coding strand, the complement: HNF1B is on the minus strand). VCF-style: chr17-37705013-T-A. GRCh37 (hg19) VCF-style: chr17-36065020-T-A.
Other names: c.1165A>T, p.Thr389Ser (NM_001165923.4, NM_001304286.2); short protein forms T389S, T415S.
Identifiers: ClinVar variation 994817 (VCV000994817.2), dbSNP rs765654692, ClinGen allele CA8518854.